The following is an entry in ClinVar:

NM_000617.3(SLC11A2):c.1628C>A (p.Thr543Lys)

Gene: SLC11A2 (solute carrier family 11 member 2; minus strand). Cytogenetic location: 12q13.12.
Variant type: single nucleotide variant.
Coding change: c.1628C>A on transcript NM_000617.3 (MANE Select); coding-DNA position 1628, C replaced by A.
Protein change: p.Thr543Lys; replaces threonine 543 with lysine.
Molecular consequence: missense variant. On other transcripts: non-coding transcript variant (5).
Genome position (GRCh38, 1-based): chr12:50,988,383, G>T on the plus strand (C>A on the coding strand, the complement: SLC11A2 is on the minus strand). VCF-style: chr12-50988383-G-T. GRCh37 (hg19) VCF-style: chr12-51382166-G-T.
Other names: c.1715C>A, p.Thr572Lys (NM_001174125.2, NM_001379446.1, NM_001379455.1); c.1628C>A, p.Thr543Lys (NM_001174126.2, NM_001174127.2, NM_001174128.2 and 5 more transcripts); c.1616C>A, p.Thr539Lys (NM_001174130.2, NM_001379448.1); c.1517C>A, p.Thr506Lys (NM_001414747.1, NM_001414748.1); c.1391C>A, p.Thr464Lys (NM_001414749.1, NM_001414750.1); c.1628C>A (NM_000617.2); short protein forms T539K, T464K, T506K, T572K, T543K.
Identifiers: ClinVar variation 2176495 (VCV002176495.5), dbSNP rs369530092, ClinGen allele CA6566430.

ClinVar aggregate classification (germline): Uncertain significance. Review status: criteria provided, multiple submitters, no conflicts (2 of 4 stars). 2 submissions from 2 submitters: Uncertain significance (2). Last evaluated 2022-09-08.

Conditions:
SLC11A2-related disorder. Also called: SLC11A2-related condition.

Allele frequency attached by ClinVar (database versions not stated): ESP Exome Variant Server 0.00008.
gnomAD v4.1: 53 of 1,613,886 alleles (0.0033%); highest among the groups gnomAD compares: Non-Finnish European, 0.0042%; no homozygotes.

Submissions (2):

PreventionGenetics, part of Exact Sciences
Classification: Uncertain significance for SLC11A2-related condition. Last evaluated: 2022-09-08. Review status: criteria provided, single submitter. Criteria: ACMG Guidelines, 2015. Collection method: clinical testing. Allele origin: germline.
Comment: The SLC11A2 c.1628C>A variant is predicted to result in the amino acid substitution p.Thr543Lys. To our knowledge, this variant has not been reported in the literature. This variant is reported in 0.011% of alleles in individuals of European (Non-Finnish) descent in gnomAD. At this time, the clinical significance of this variant is uncertain due to the absence of conclusive functional and genetic evidence.

Labcorp Genetics (formerly Invitae), Labcorp
Classification: Uncertain significance. Last evaluated: 2022-08-03. Review status: criteria provided, single submitter. Criteria: Invitae Variant Classification Sherloc (09022015). Collection method: clinical testing. Allele origin: germline.
Comment: This variant has not been reported in the literature in individuals affected with SLC11A2-related conditions. This variant is present in population databases (rs369530092, gnomAD 0.01%). This sequence change replaces threonine, which is neutral and polar, with lysine, which is basic and polar, at codon 543 of the SLC11A2 protein (p.Thr543Lys). In summary, the available evidence is currently insufficient to determine the role of this variant in disease. Therefore, it has been classified as a Variant of Uncertain Significance. Algorithms developed to predict the effect of missense changes on protein structure and function (SIFT, PolyPhen-2, Align-GVGD) all suggest that this variant is likely to be tolerated.